The following is an entry in ClinVar:

NM_182961.4(SYNE1):c.8310C>T (p.Phe2770=)

Gene: SYNE1 (spectrin repeat containing nuclear envelope protein 1; minus strand). Cytogenetic location: 6q25.2.
Variant type: single nucleotide variant.
Coding change: c.8310C>T on transcript NM_182961.4 (MANE Select); coding-DNA position 8310, C replaced by T.
Protein change: p.Phe2770=; no amino-acid change (phenylalanine 2770 retained).
Molecular consequence: synonymous variant.
Genome position (GRCh38, 1-based): chr6:152,387,249, G>A on the plus strand (C>T on the coding strand, the complement: SYNE1 is on the minus strand). VCF-style: chr6-152387249-G-A. GRCh37 (hg19) VCF-style: chr6-152708384-G-A.
Other names: c.8331C>T, p.Phe2777= (NM_033071.5); c.8331C>T (NM_033071.3).
Identifiers: ClinVar variation 595738 (VCV000595738.10), dbSNP rs749172868, ClinGen allele CA4057575.

ClinVar aggregate classification (germline): Conflicting classifications of pathogenicity. Review status: criteria provided, conflicting classifications (1 of 4 stars). 3 submissions from 3 submitters: Uncertain significance (1); Likely benign (1). 1 of the submissions does not count toward it. Last evaluated 2024-06-28.

Conditions:
SYNE1-related disorder. Also called: SYNE1-related disorders; SYNE1-related disease; SYNE1-related condition.
Emery-Dreifuss muscular dystrophy 4, autosomal dominant (EDMD4). Also called: EMERY-DREIFUSS MUSCULAR DYSTROPHY 4 WITH VARIABLE FEATURES. Identifiers: Orphanet 261, MedGen C2751807, MONDO:0013071, OMIM 612998.
Autosomal recessive ataxia, Beauce type. Also called: SYNE1-Related Autosomal Recessive Cerebellar Ataxia; Spinocerebellar ataxia, autosomal recessive 8; ATAXIA, RECESSIVE, OF BEAUCE; SYNE1 Deficiency. Identifiers: Orphanet 88644, MedGen C1853116, MONDO:0012549, OMIM 610743.

Allele frequency attached by ClinVar (database versions not stated): gnomAD exomes below 0.00001; ExAC 0.00001; TOPMed 0.00003.
gnomAD v4.1: 5 of 1,614,140 alleles (0.00031%); highest among the groups gnomAD compares: South Asian, 0.0011%; no homozygotes.

Submissions (3):

Labcorp Genetics (formerly Invitae), Labcorp
Classification: Likely benign for Emery-Dreifuss muscular dystrophy 4, autosomal dominant; Autosomal recessive ataxia, Beauce type. Last evaluated: 2024-06-28. Review status: criteria provided, single submitter. Criteria: Invitae Variant Classification Sherloc (09022015). Collection method: clinical testing. Allele origin: germline.

Eurofins Ntd Llc (ga)
Classification: Uncertain significance. Last evaluated: 2018-01-11. Review status: criteria provided, single submitter. Criteria: EGL Classification Definitions 2015. Collection method: clinical testing. Allele origin: germline. Observed: 1 variant allele, 1 heterozygote.

PreventionGenetics, part of Exact Sciences
Classification: Likely benign for SYNE1-related condition. Last evaluated: 2019-06-27. Review status: no assertion criteria provided. Collection method: clinical testing. Allele origin: germline. Not counted in ClinVar's aggregate classification.
Comment: This variant is classified as likely benign based on ACMG/AMP sequence variant interpretation guidelines (Richards et al. 2015 PMID: 25741868, with internal and published modifications).